The following is an entry in ClinVar:

NM_001458.5(FLNC):c.3852C>T (p.Gly1284=)

Gene: FLNC (filamin C; plus strand). Cytogenetic location: 7q32.1.
Variant type: single nucleotide variant.
Coding change: c.3852C>T on transcript NM_001458.5 (MANE Select); coding-DNA position 3852, C replaced by T.
Protein change: p.Gly1284=; no amino-acid change (glycine 1284 retained).
Molecular consequence: synonymous variant.
Genome position (GRCh38, 1-based): chr7:128,846,051, C>T. VCF-style: chr7-128846051-C-T. GRCh37 (hg19) VCF-style: chr7-128486105-C-T.
Other names: p.Gly1284=; c.3852C>T, p.Gly1284= (NM_001127487.2).
Identifiers: ClinVar variation 383116 (VCV000383116.24), dbSNP rs111337293, ClinGen allele CA4475155.

ClinVar aggregate classification (germline): Benign. Review status: criteria provided, multiple submitters, no conflicts (2 of 4 stars). 9 submissions from 9 submitters: Benign (9). Last evaluated 2026-02-03.

Conditions:
Cardiomyopathy (CMYO). Also called: Cardiomyopathies. Identifiers: Orphanet 167848, MedGen C0878544, MONDO:0004994, HP:0001638. Inheritance: Various modes of inheritance.
Cardiovascular phenotype. Identifiers: MedGen CN230736.
Myofibrillar myopathy 5. Also called: Filaminopathy (type); FILAMINOPATHY, AUTOSOMAL DOMINANT. Identifiers: Orphanet 171445, MedGen C1836050, MONDO:0012289, OMIM 609524.
Hypertrophic cardiomyopathy 26. Also called: Cardiomyopathy, familial hypertrophic, 26. Identifiers: Orphanet 75249, MedGen C4310749, MONDO:0014883, OMIM 617047.
Distal myopathy with posterior leg and anterior hand involvement. Also called: WILLIAMS DISTAL MYOPATHY. Identifiers: Orphanet 63273, MedGen C3279722, MONDO:0013550, OMIM 614065.

Allele frequency attached by ClinVar (database versions not stated): gnomAD exomes 0.00066 and 0.00171; ExAC 0.00202; 1000 Genomes Project 0.00659; gnomAD 0.00689 and 0.00743; 1000 Genomes Project 30x 0.00703; TOPMed 0.00728; ESP Exome Variant Server 0.00808.

Submissions (9):

Labcorp Genetics (formerly Invitae), Labcorp
Classification: Benign for Distal myopathy with posterior leg and anterior hand involvement; Myofibrillar myopathy 5; Hypertrophic cardiomyopathy 26. Last evaluated: 2026-02-03. Review status: criteria provided, single submitter. Criteria: Invitae Variant Classification Sherloc (09022015). Collection method: clinical testing. Allele origin: germline.

Molecular Diagnostic Laboratory for Inherited Cardiovascular Disease, Montreal Heart Institute
Classification: Benign. Last evaluated: 2025-04-09. Review status: criteria provided, single submitter. Criteria: ACMG Guidelines, 2015. Collection method: clinical testing. Allele origin: germline. Affected: no.

ARUP Laboratories, Molecular Genetics and Genomics, ARUP Laboratories
Classification: Benign. Last evaluated: 2025-01-27. Review status: criteria provided, single submitter. Criteria: ARUP Molecular Germline Variant Investigation Process 2024. Collection method: clinical testing. Allele origin: germline.

Women's Health and Genetics/Laboratory Corporation of America, LabCorp
Classification: Benign. Last evaluated: 2024-03-30. Review status: criteria provided, single submitter. Criteria: LabCorp Variant Classification Summary - May 2015. Collection method: clinical testing. Allele origin: germline.

Mayo Clinic Laboratories, Mayo Clinic
Classification: Benign. Last evaluated: 2023-04-25. Review status: criteria provided, single submitter. Criteria: ACMG Guidelines, 2015. Collection method: clinical testing. Allele origin: germline. Observed: 10 variant alleles.
Comment: BA1, BS2, BP4, BP7

CHEO Genetics Diagnostic Laboratory, Children's Hospital of Eastern Ontario
Classification: Benign for Cardiomyopathy. Last evaluated: 2023-01-09. Review status: criteria provided, single submitter. Criteria: ACMG Guidelines, 2015. Collection method: clinical testing. Allele origin: germline.

Ambry Genetics
Classification: Benign for Cardiovascular phenotype. Last evaluated: 2019-01-07. Review status: criteria provided, single submitter. Criteria: Ambry Variant Classification Scheme 2023. Collection method: clinical testing. Allele origin: germline.

GeneDx
Classification: Benign. Last evaluated: 2016-05-23. Review status: criteria provided, single submitter. Criteria: GeneDx Variant Classification (06012015). Collection method: clinical testing. Allele origin: germline. Affected: yes.
Comment: This variant is considered likely benign or benign based on one or more of the following criteria: it is a conservative change, it occurs at a poorly conserved position in the protein, it is predicted to be benign by multiple in silico algorithms, and/or has population frequency not consistent with disease.

Breakthrough Genomics
Classification: Benign. Review status: criteria provided, single submitter. Criteria: ACMG Guidelines, 2015. Collection method: not provided. Allele origin: germline. Inheritance: Autosomal dominant inheritance. Affected: yes.